The following is an entry in ClinVar:

ClinVar aggregate classification (germline): Uncertain significance (1 of 4 stars; one submission).

Submission:

Dasa
Classification: Uncertain significance. Last evaluated: 2025-05-27. Review status: criteria provided, single submitter. Criteria: DASA Assertion Criteria. Collection method: clinical testing. Allele origin: germline.
Comment: NM_001242957.3(MAK):c.467A>T (p.Tyr156Phe) is a missense variant that results in the substitution of tyrosine with phenylalanine. This variant is absent from population databases. Computational prediction algorithms are consistent with a benign effect. The currently available literature and clinical evidence are not sufficient to establish a definitive association between this variant and the reported condition. Therefore, this variant is classified as a variant of uncertain significance.

NM_001242957.3(MAK):c.467A>T (p.Tyr156Phe)

Gene: MAK (male germ cell associated kinase; minus strand). Cytogenetic location: 6p24.2.
Variant type: single nucleotide variant.
Coding change: c.467A>T on transcript NM_001242957.3 (MANE Select); coding-DNA position 467, A replaced by T.
Protein change: p.Tyr156Phe; replaces tyrosine 156 with phenylalanine.
Molecular consequence: missense variant. On other transcripts: non-coding transcript variant (2).
Genome position (GRCh38, 1-based): chr6:10,808,834, T>A on the plus strand (A>T on the coding strand, the complement: MAK is on the minus strand). VCF-style: chr6-10808834-T-A. GRCh37 (hg19) VCF-style: chr6-10809067-T-A.
Other names: c.365A>T, p.Tyr122Phe (NM_001377262.1); c.467A>T, p.Tyr156Phe (NM_005906.6, NM_001242385.2); short protein forms Y122F, Y156F.
Identifiers: ClinVar variation 4881131 (VCV004881131.2).
Genomic context (GRCh38, chr6:10,808,834, plus strand): 5'-CTTATGCCTCAGGAGGGCTGCATAACCCCTACTCACCATCTGGTAGATACATAATCAGTG[T>A]ATGGTGGCTGTGACCTTAATTCTCTTGCAAGTCCAAAATCAGCAATTTTCACAAGCTCTG-3'
Protein context (NP_001229886.1, residues 146-166): LARELRSQPP[Tyr156Phe]TDYVSTRWYR